The following is an entry in ClinVar:

NM_001330.5(CTF1):c.549G>T (p.Glu183Asp)

Genes: CTF1 (cardiotrophin 1; plus strand), LOC130058878 (ATAC-STARR-seq lymphoblastoid silent region 7400; plus strand). Cytogenetic location: 16p11.2.
Variant type: single nucleotide variant.
Coding change: c.549G>T on transcript NM_001330.5 (MANE Select); coding-DNA position 549, G replaced by T.
Protein change: p.Glu183Asp; replaces glutamic acid 183 with aspartic acid.
Molecular consequence: missense variant. On other transcripts: non-coding transcript variant (1).
Genome position (GRCh38, 1-based): chr16:30,902,482, G>T. VCF-style: chr16-30902482-G-T. GRCh37 (hg19) VCF-style: chr16-30913803-G-T.
Other names: c.546G>T, p.Glu182Asp (NM_001142544.3); short protein forms E182D, E183D.
Identifiers: ClinVar variation 3003706 (VCV003003706.3), dbSNP rs2055413169, ClinGen allele CA395619686.
Genomic context (GRCh38, chr16:30,902,482, plus strand): 5'-CGCCACCGGGGTCTTCCCCGCCAAGGTGCTGGGGCTCCGCGTTTGCGGCCTCTACCGCGA[G>T]TGGCTGAGCCGCACCGAGGGCGACCTGGGCCAGCTGCTGCCCGGGGGCTCGGCCTGAGCG-3'
Protein context (NP_001321.1, residues 173-193): LGLRVCGLYR[Glu183Asp]WLSRTEGDLG

ClinVar aggregate classification (germline): Uncertain significance (1 of 4 stars; one submission).

Allele frequency attached by ClinVar (database versions not stated): TOPMed below 0.00001.

Submission:

Labcorp Genetics (formerly Invitae), Labcorp
Classification: Uncertain significance. Last evaluated: 2023-08-06. Review status: criteria provided, single submitter. Criteria: Invitae Variant Classification Sherloc (09022015). Collection method: clinical testing. Allele origin: germline.
Comment: In summary, the available evidence is currently insufficient to determine the role of this variant in disease. Therefore, it has been classified as a Variant of Uncertain Significance. An algorithm developed to predict the effect of missense changes on protein structure and function (PolyPhen-2) suggests that this variant is likely to be tolerated. This variant has not been reported in the literature in individuals affected with CTF1-related conditions. This variant is not present in population databases (gnomAD no frequency). This sequence change replaces glutamic acid, which is acidic and polar, with aspartic acid, which is acidic and polar, at codon 183 of the CTF1 protein (p.Glu183Asp).